The following is an entry in ClinVar:

ClinVar aggregate classification (germline): Likely pathogenic (1 of 4 stars; one submission).

Conditions:
Autosomal recessive nonsyndromic hearing loss 4 (DFNB4). Also called: Deafness, autosomal recessive 4; FOXI1-Related Pendred Syndrome; KCNJ10-Related Pendred Syndrome; DEAFNESS, AUTOSOMAL RECESSIVE 4, WITH ENLARGED VESTIBULAR AQUEDUCT, DIGENIC; NEUROSENSORY NONSYNDROMIC RECESSIVE DEAFNESS 4; Nonsyndromic enlarged vestibular aqueduct (NSEVA). Identifiers: Orphanet 90636, MedGen C3538946, MONDO:0010933, OMIM 600791.

Submission:

Institute of Rare Diseases, West China Hospital, Sichuan University
Classification: Likely pathogenic for Autosomal recessive nonsyndromic hearing loss 4. Last evaluated: 2025-01-09. Review status: criteria provided, single submitter. Criteria: ClinGen HL ACMG Specifications v1. Collection method: research. Allele origin: germline. Affected: yes.
Comment: PM3_Strong;PP4;PM2_Supporting

NM_000441.2(SLC26A4):c.1001+3G>C

Gene: SLC26A4 (solute carrier family 26 member 4; plus strand). Cytogenetic location: 7q22.3.
Variant type: single nucleotide variant.
Coding change: c.1001+3G>C on transcript NM_000441.2 (MANE Select); 3 bases into the intron after coding-DNA position 1001, G replaced by C.
Molecular consequence: intron variant.
Genome position (GRCh38, 1-based): chr7:107,683,540, G>C. VCF-style: chr7-107683540-G-C. GRCh37 (hg19) VCF-style: chr7-107323985-G-C.
Identifiers: ClinVar variation 3601725 (VCV003601725.1).
Genomic context (GRCh38, chr7:107,683,540, plus strand): 5'-ATGGAGCCAACCTGGAAAAAAATTACAATGCTGGCATTGTTAAATCCATCCCAAGGGGGT[G>C]AGTGTGGTGTTCCTCTTAGTACTAATACATTAAGTCAGTAAGTCAGTCTTTTTTATTTAA-3'